The following is an entry in ClinVar:

ClinVar aggregate classification (germline): Uncertain significance (1 of 4 stars; one submission).

Submission:

GeneDx
Classification: Uncertain significance. Last evaluated: 2024-12-10. Review status: criteria provided, single submitter. Criteria: GeneDx Variant Classification Process June 2021. Collection method: clinical testing. Allele origin: germline. Affected: yes.
Comment: Not observed at significant frequency in large population cohorts (gnomAD); Missense variant in a gene in which most reported pathogenic variants are truncating/loss of function; Has not been previously published as pathogenic or benign to our knowledge

NM_001267550.2(TTN):c.33501AGA[3] (p.Glu11171_Glu11172del)

Gene: TTN (titin; minus strand). Cytogenetic location: 2q31.2.
Variant type: Microsatellite.
Coding change: c.33501AGA[3] on transcript NM_001267550.2 (MANE Select); three copies in a row of the 3-base unit AGA starting at c.33501; the reference has five copies in a row; two copies, 6 bases deleted; also written c.33510_33515del.
Protein change: p.Glu11171_Glu11172del.
Molecular consequence: inframe deletion. On other transcripts: inframe indel (2), intron variant (3).
Genome position (GRCh38, 1-based): chr2:178,679,959-178,679,964, TCTTCT deleted on the plus strand (AGAAGA on the coding strand, the reverse complement: TTN is on the minus strand); deleting any 6 consecutive bases within chr2:178,679,959-178,679,973 gives the same sequence; the position shown is the placement nearest the transcript's 3' end. VCF-style (leftmost placement, unchanged base first): chr2-178679958-CTCTTCT-C. GRCh37 (hg19) VCF-style: chr2-179544685-CTCTTCT-C.
Other names: c.32550AGA[3], p.Glu10854_Glu10855del (NM_001256850.1); c.33501_33503AGA[3], p.Glu11171_Glu11172del (NM_001267550.1); c.29769AGA[3], p.Glu9927_Glu9928del (NM_133378.4); c.13283-37656AGA[3] (NM_003319.4); c.13859-37656AGA[3] (NM_133437.4); c.13658-37656AGA[3] (NM_133432.3); c.33510_33515del (NM_001267550.1).
Identifiers: ClinVar variation 3902855 (VCV003902855.1).